The following is an entry in ClinVar:

NM_001042492.3(NF1):c.7963C>A (p.Pro2655Thr)

Gene: NF1 (neurofibromin 1; plus strand). Cytogenetic location: 17q11.2.
Variant type: single nucleotide variant.
Coding change: c.7963C>A on transcript NM_001042492.3 (MANE Select); coding-DNA position 7963, C replaced by A.
Protein change: p.Pro2655Thr; replaces proline 2655 with threonine.
Molecular consequence: missense variant.
Genome position (GRCh38, 1-based): chr17:31,357,362, C>A. VCF-style: chr17-31357362-C-A. GRCh37 (hg19) VCF-style: chr17-29684380-C-A.
Other names: c.7900C>A, p.Pro2634Thr (NM_000267.4); short protein forms P2634T, P2655T.
Identifiers: ClinVar variation 141493 (VCV000141493.14), dbSNP rs587781791, ClinGen allele CA165611.
Genomic context (GRCh38, chr17:31,357,362, plus strand): 5'-GATCAACGAATTCTTTATGAATACTTAGCAGAGGCCAGTGTTGTGTTTCCCAAAGTCTTT[C>A]CTGTTGTGTAAGTATCTCCTTTTGATTTTAATTCACCTTCGTGCCTGTCTTTAAGTTAAA-3'
Protein context (NP_001035957.1, residues 2645-2665): EASVVFPKVF[Pro2655Thr]VVHNLLDSKI

ClinVar aggregate classification (germline): Conflicting classifications of pathogenicity. Review status: criteria provided, conflicting classifications (1 of 4 stars). 7 submissions from 5 submitters: Uncertain significance (6); Likely benign (1). Last evaluated 2025-09-15.

Conditions:
Hereditary cancer-predisposing syndrome. Also called: Neoplastic Syndromes, Hereditary; Hereditary Cancer Syndrome; Hereditary neoplastic syndrome; Tumor predisposition. Identifiers: Orphanet 140162, MedGen C0027672, MeSH D009386, MONDO:0015356.
Cardiovascular phenotype. Identifiers: MedGen CN230736.
Juvenile myelomonocytic leukemia (JMML). Also called: LEUKEMIA, JUVENILE MYELOMONOCYTIC, SOMATIC. Identifiers: Orphanet 86834, MedGen C0349639, MONDO:0011908, OMIM 607785, HP:0012209.
Neurofibromatosis, type 1 (NF1). Also called: VON RECKLINGHAUSEN DISEASE; Neurofibromatosis, type I; NEUROFIBROMATOSIS, TYPE I, SOMATIC; Peripheral type neurofibromatosis. Identifiers: Orphanet 636, MedGen C0027831, MONDO:0018975, OMIM 162200. Disease mechanism: loss of function.

Allele frequency attached by ClinVar (database versions not stated): TOPMed 0.00001.

Submissions (7):

Labcorp Genetics (formerly Invitae), Labcorp
Classification: Likely benign for Neurofibromatosis, type 1. Last evaluated: 2025-09-15. Review status: criteria provided, single submitter. Criteria: Invitae Variant Classification Sherloc (09022015). Collection method: clinical testing. Allele origin: germline.

Baylor Genetics
Classification: Uncertain significance for Juvenile myelomonocytic leukemia. Last evaluated: 2023-08-18. Review status: criteria provided, single submitter. Criteria: ACMG Guidelines, 2015. Collection method: clinical testing. Allele origin: unknown.

GeneDx
Classification: Uncertain significance. Last evaluated: 2022-11-01. Review status: criteria provided, single submitter. Criteria: GeneDx Variant Classification Process June 2021. Collection method: clinical testing. Allele origin: germline. Affected: yes.
Comment: Not observed at significant frequency in large population cohorts (gnomAD); In silico analysis supports that this missense variant has a deleterious effect on protein structure/function; Has not been previously published as pathogenic or benign to our knowledge; This variant is associated with the following publications: (PMID: 25486365)

Ambry Genetics
Classification: Uncertain significance for Cardiovascular phenotype; Hereditary cancer-predisposing syndrome. Last evaluated: 2022-05-03. Review status: criteria provided, single submitter. Criteria: Ambry Variant Classification Scheme 2023. Collection method: clinical testing. Allele origin: germline.

Genome-Nilou Lab
Classification: Uncertain significance for Neurofibromatosis, type 1. Last evaluated: 2022-03-15. Review status: criteria provided, single submitter. Criteria: ACMG Guidelines, 2015. Collection method: clinical testing. Allele origin: germline. Affected: no.

Baylor Genetics
Classification: Uncertain significance for Neurofibromatosis, type 1. Last evaluated: 2022-01-12. Review status: criteria provided, single submitter. Criteria: ACMG Guidelines, 2015. Collection method: clinical testing. Allele origin: maternal. Affected: yes. Study: CSER-TexasKidsCanSeq.
Comment: This variant was determined to be of uncertain significance according to ACMG Guidelines, 2015 [PMID:25741868].

Ambry Genetics
Classification: Uncertain significance for Hereditary cancer-predisposing syndrome. Last evaluated: 2014-02-26. Review status: criteria provided, single submitter. Criteria: Ambry Autosomal Dominant and X-Linked criteria (10/2015). Collection method: clinical testing. Allele origin: germline. Observed: 1 variant allele.
Comment: The p.P2655T variant (also known as c.7963C>A) is located in coding exon 54 of the NF1 gene. This alteration results from a C to A substitution at nucleotide position 7963. The proline at codon 2655 is replaced by threonine, an amino acid with a few highly similar properties.This variant was not reported in population-based cohorts in the following databases: Database of Single Nucleotide Polymorphisms (dbSNP), NHLBI Exome Sequencing Project (ESP) and 1000 Genomes Project.To date, this alteration has been detected with an allele frequency of approximately 0.66% (greater than 150 alleles tested) in our clinical cohort (includes this individual). Based on protein sequence alignment, this amino acid position is highly conserved in available vertebrate species. In addition, this alteration is predicted to be probably damaging and deleterious by PolyPhen and SIFT in silicoanalyses, respectively.Since supporting evidence is limited at this time, the clinical significance ofp.P2655Tremains unclear.